The following is an entry in ClinVar:

NM_016284.5(CNOT1):c.3113C>T (p.Thr1038Ile)

Gene: CNOT1 (CCR4-NOT transcription complex subunit 1; minus strand). Cytogenetic location: 16q21.
Variant type: single nucleotide variant.
Coding change: c.3113C>T on transcript NM_016284.5 (MANE Select); coding-DNA position 3113, C replaced by T.
Protein change: p.Thr1038Ile; replaces threonine 1038 with isoleucine.
Molecular consequence: missense variant. On other transcripts: non-coding transcript variant (1).
Genome position (GRCh38, 1-based): chr16:58,551,677, G>A on the plus strand (C>T on the coding strand, the complement: CNOT1 is on the minus strand). VCF-style: chr16-58551677-G-A. GRCh37 (hg19) VCF-style: chr16-58585581-G-A.
Other names: c.3098C>T, p.Thr1033Ile (NM_001265612.2); c.3113C>T, p.Thr1038Ile (NM_206999.3); short protein forms T1038I, T1033I.
Identifiers: ClinVar variation 973035 (VCV000973035.4), dbSNP rs2040453527, ClinGen allele CA396172827.
Genomic context (GRCh38, chr16:58,551,677, plus strand): 5'-GTTGGCCTGGTGACCGTAACCGTTTTAGCAACAGTGGTAGTTGTTGAGGTGGTTACCATA[G>A]TGCTAACTTGACCAGCAAGAGGAGCTTTTGCTGGAACCTGGGCCTGAGCCTGGGCCTGAG-3'
Protein context (NP_057368.3, residues 1028-1048): AKAPLAGQVS[Thr1038Ile]MVTTSTTTTV

ClinVar aggregate classification (germline): Uncertain significance (1 of 4 stars; one submission).

Conditions:
CNOT1-related disorder. Also called: CNOT1-related condition.

Submission:

GeneDx
Classification: Uncertain significance. Last evaluated: 2019-08-16. Review status: criteria provided, single submitter. Criteria: GeneDx Variant Classification Process June 2021. Collection method: clinical testing. Allele origin: germline. Affected: yes.
Comment: Not observed in large population cohorts (Lek et al., 2016); In silico analysis, which includes protein predictors and evolutionary conservation, supports a deleterious effect; Has not been previously published as pathogenic or benign to our knowledge; This variant is associated with the following publications: (PMID: 32553196)